The following is an entry in ClinVar:

ClinVar aggregate classification (germline): Uncertain significance (1 of 4 stars; one submission).

Conditions:
Monogenic diabetes. Identifiers: Orphanet 183625, MedGen C3888631, MONDO:0015967.

Allele frequency attached by ClinVar (database versions not stated): TOPMed below 0.00001.
gnomAD v4.1: 4 of 1,329,442 alleles (0.0003%); highest among the groups gnomAD compares: South Asian, 0.0034%; no homozygotes.

Submission:

Personalized Diabetes Medicine Program, University of Maryland School of Medicine
Classification: Uncertain significance for Monogenic diabetes. Last evaluated: 2018-08-05. Review status: criteria provided, single submitter. Criteria: ACMG Guidelines, 2015. Collection method: research. Allele origin: unknown. Observed: 1 variant allele, 1 heterozygote.
Comment: ACMG criteria: PM2, PP3 (REVEL score 0.762 + 8 predictors)= VUS

NM_178161.3(PTF1A):c.520C>T (p.Arg174Trp)

Gene: PTF1A (pancreas associated transcription factor 1a; plus strand). Cytogenetic location: 10p12.2.
Variant type: single nucleotide variant.
Coding change: c.520C>T on transcript NM_178161.3 (MANE Select); coding-DNA position 520, C replaced by T.
Protein change: p.Arg174Trp; replaces arginine 174 with tryptophan.
Molecular consequence: missense variant.
Genome position (GRCh38, 1-based): chr10:23,193,050, C>T. VCF-style: chr10-23193050-C-T. GRCh37 (hg19) VCF-style: chr10-23481979-C-T.
Other names: short protein forms R174W.
Identifiers: ClinVar variation 917469 (VCV000917469.1), dbSNP rs1840913860, ClinGen allele CA376262785.